The following is an entry in ClinVar:

ClinVar aggregate classification (germline): Likely benign (1 of 4 stars; one submission).

gnomAD v4.1: 379 of 1,614,190 alleles (0.023%); highest among the groups gnomAD compares: South Asian, 0.36%; 3 homozygotes.

Submission:

CeGaT Center for Human Genetics Tuebingen
Classification: Likely benign. Last evaluated: 2025-02-01. Review status: criteria provided, single submitter. Criteria: CeGaT Center For Human Genetics Tuebingen Variant Classification Criteria Version 2. Collection method: clinical testing. Allele origin: germline. Affected: yes. Observed: 1 variant allele.
Comment: RNF213: BP4, BP7

NM_001256071.3(RNF213):c.14853C>T (p.Phe4951=)

Genes: RNF213 (ring finger protein 213; plus strand), RNF213-AS1 (RNF213 antisense RNA 1; minus strand). Cytogenetic location: 17q25.3.
Variant type: single nucleotide variant.
Coding change: c.14853C>T on transcript NM_001256071.3 (MANE Select); coding-DNA position 14853, C replaced by T.
Protein change: p.Phe4951=; no amino-acid change (phenylalanine 4951 retained).
Molecular consequence: synonymous variant.
Genome position (GRCh38, 1-based): chr17:80,386,822, C>T. VCF-style: chr17-80386822-C-T. GRCh37 (hg19) VCF-style: chr17-78360622-C-T.
Other names: c.15000C>T, p.Phe5000= (NM_001410195.1, NM_020914.5).
Identifiers: ClinVar variation 3770710 (VCV003770710.13).